The following is an entry in ClinVar:

ClinVar aggregate classification (germline): Uncertain significance (1 of 4 stars; one submission).

Conditions:
Neuropathy, hereditary sensory and autonomic, type 2A (HSAN2A). Also called: ACROOSTEOLYSIS, GIACCAI TYPE; ACROOSTEOLYSIS, NEUROGENIC; MORVAN DISEASE; NEUROPATHY, CONGENITAL SENSORY; NEUROPATHY, HEREDITARY SENSORY RADICULAR, AUTOSOMAL RECESSIVE; NEUROPATHY, HEREDITARY SENSORY, TYPE IIA. Identifiers: Orphanet 970, MedGen C2752089, MONDO:0024309, OMIM 201300.
Pseudohypoaldosteronism type 2C (PHA2C). Also called: Pseudohypoaldosteronism Type IIC. Identifiers: Orphanet 757, Orphanet 88940, MedGen C1840391, MONDO:0013778, OMIM 614492.

Submission:

Labcorp Genetics (formerly Invitae), Labcorp
Classification: Uncertain significance for Neuropathy, hereditary sensory and autonomic, type 2A; Pseudohypoaldosteronism type 2C. Last evaluated: 2024-05-08. Review status: criteria provided, single submitter. Criteria: Invitae Variant Classification Sherloc (09022015). Collection method: clinical testing. Allele origin: germline.
Comment: This sequence change replaces proline, which is neutral and non-polar, with leucine, which is neutral and non-polar, at codon 1091 of the WNK1 protein (p.Pro1091Leu). This variant is not present in population databases (gnomAD no frequency). This variant has not been reported in the literature in individuals affected with WNK1-related conditions. Advanced modeling of protein sequence and biophysical properties (such as structural, functional, and spatial information, amino acid conservation, physicochemical variation, residue mobility, and thermodynamic stability) performed at Invitae indicates that this missense variant is not expected to disrupt WNK1 protein function with a negative predictive value of 95%. In summary, the available evidence is currently insufficient to determine the role of this variant in disease. Therefore, it has been classified as a Variant of Uncertain Significance.

NM_213655.5(WNK1):c.3272C>T (p.Pro1091Leu)

Gene: WNK1 (WNK lysine deficient protein kinase 1; plus strand). Cytogenetic location: 12p13.33.
Variant type: single nucleotide variant.
Coding change: c.3272C>T on transcript NM_213655.5 (MANE Plus Clinical); coding-DNA position 3272, C replaced by T.
Protein change: p.Pro1091Leu; replaces proline 1091 with leucine.
Molecular consequence: missense variant. On other transcripts: intron variant (2).
Genome position (GRCh38, 1-based): chr12:868,743, C>T. VCF-style: chr12-868743-C-T. GRCh37 (hg19) VCF-style: chr12-977909-C-T.
Other names: c.3017C>T, p.Pro1006Leu (NM_001184985.2); c.2140-2522C>T (NM_018979.4, NM_014823.3); short protein forms P1006L, P1091L.
Identifiers: ClinVar variation 3761813 (VCV003761813.2).